The following is an entry in ClinVar:

NM_000209.4(PDX1):c.841G>C (p.Glu281Gln)

Gene: PDX1 (pancreatic and duodenal homeobox 1; plus strand). Cytogenetic location: 13q12.2.
Variant type: single nucleotide variant.
Coding change: c.841G>C on transcript NM_000209.4 (MANE Select); coding-DNA position 841, G replaced by C.
Protein change: p.Glu281Gln; replaces glutamic acid 281 with glutamine.
Molecular consequence: missense variant.
Genome position (GRCh38, 1-based): chr13:27,924,690, G>C. VCF-style: chr13-27924690-G-C. GRCh37 (hg19) VCF-style: chr13-28498827-G-C.
Other names: c.841G>C (NM_000209.3); short protein forms E281Q.
Identifiers: ClinVar variation 1409937 (VCV001409937.12), dbSNP rs1357043267, ClinGen allele CA387646945.

ClinVar aggregate classification (germline): Uncertain significance. Review status: criteria provided, multiple submitters, no conflicts (2 of 4 stars). 4 submissions from 4 submitters: Uncertain significance (4). Last evaluated 2026-06-04.

Conditions:
Type 2 diabetes mellitus. Also called: Type II diabetes mellitus. Identifiers: MedGen C0011860, MeSH D003924, MONDO:0005148, OMIM 125853, HP:0005978.
Maturity-onset diabetes of the young type 4 (MODY4). Also called: MODY, type IV; Maturity-onset diabetes of the young, type IV. Identifiers: Orphanet 552, MedGen C1833382, MONDO:0011667, OMIM 606392.
Pancreatic agenesis 1 (PAGEN1). Also called: PANCREATIC HYPOPLASIA, CONGENITAL. Identifiers: Orphanet 2805, MedGen C3891828, MONDO:0024547, OMIM 260370.
PDX1-related disorder. Also called: PDX1-related disorders; PDX1-related condition.

Allele frequency attached by ClinVar (database versions not stated): gnomAD exomes 0.00002 and 0.00012.
gnomAD v4.1: 31 of 1,472,016 alleles (0.0021%); highest among the groups gnomAD compares: South Asian, 0.029%; 1 homozygote.

Submissions (4):

PreventionGenetics, part of Exact Sciences
Classification: Uncertain significance for PDX1-related condition. Last evaluated: 2026-06-04. Review status: criteria provided, single submitter. Criteria: ACMG Guidelines, 2015. Collection method: clinical testing. Allele origin: germline.
Comment: The PDX1 c.841G>C variant is predicted to result in the amino acid substitution p.Glu281Gln. This variant has been reported in individuals with diabetes mellitus, type 2 (Elashi et al. 2022. PubMed ID: 36613572). This variant is reported in 0.053% of alleles in individuals of South Asian descent in gnomAD. At this time, the clinical significance of this variant is uncertain due to the absence of conclusive functional and genetic evidence.

Labcorp Genetics (formerly Invitae), Labcorp
Classification: Uncertain significance. Last evaluated: 2025-02-06. Review status: criteria provided, single submitter. Criteria: Invitae Variant Classification Sherloc (09022015). Collection method: clinical testing. Allele origin: germline.
Comment: This sequence change replaces glutamic acid, which is acidic and polar, with glutamine, which is neutral and polar, at codon 281 of the PDX1 protein (p.Glu281Gln). This variant is present in population databases (no rsID available, gnomAD 0.05%). This missense change has been observed in individual(s) with PDX1-related conditions (PMID: 36613572). ClinVar contains an entry for this variant (Variation ID: 1409937). An algorithm developed to predict the effect of missense changes on protein structure and function (PolyPhen-2) suggests that this variant is likely to be tolerated. In summary, the available evidence is currently insufficient to determine the role of this variant in disease. Therefore, it has been classified as a Variant of Uncertain Significance.

GeneDx
Classification: Uncertain significance. Last evaluated: 2025-01-06. Review status: criteria provided, single submitter. Criteria: GeneDx Variant Classification Process June 2021. Collection method: clinical testing. Allele origin: germline. Affected: yes.
Comment: Identified in patients with diabetes mellitus type II in published literature (PMID: 36613572); In silico analysis indicates that this missense variant does not alter protein structure/function; This variant is associated with the following publications: (PMID: 36613572)

Fulgent Genetics
Classification: Uncertain significance for Type 2 diabetes mellitus; Pancreatic agenesis 1; Maturity-onset diabetes of the young type 4. Last evaluated: 2024-03-18. Review status: criteria provided, single submitter. Criteria: ACMG Guidelines, 2015. Collection method: clinical testing. Allele origin: germline.

Literature cited by the submitters: PubMed 36613572 (cited by Labcorp Genetics (formerly Invitae), Labcorp).